The following is an entry in ClinVar:

ClinVar aggregate classification (germline): Pathogenic (1 of 4 stars; one submission).

Conditions:
Neurodegeneration with brain iron accumulation 6 (NBIA6). Also called: COASY protein-associated neurodegeneration. Identifiers: Orphanet 397725, MedGen C4517377, MONDO:0014290, OMIM 615643.

Submission:

Labcorp Genetics (formerly Invitae), Labcorp
Classification: Pathogenic for Neurodegeneration with brain iron accumulation 6. Last evaluated: 2023-03-02. Review status: criteria provided, single submitter. Criteria: Invitae Variant Classification Sherloc (09022015). Collection method: clinical testing. Allele origin: germline.
Comment: This sequence change creates a premature translational stop signal (p.Gly182Valfs*19) in the COASY gene. It is expected to result in an absent or disrupted protein product. Loss-of-function variants in COASY are known to be pathogenic (PMID: 24360804, 30089828). This variant is not present in population databases (gnomAD no frequency). This variant has not been reported in the literature in individuals affected with COASY-related conditions. For these reasons, this variant has been classified as Pathogenic.

Literature cited by the submitters: PubMed 24360804; PubMed 30089828.

NM_025233.7(COASY):c.545_546del (p.Gly182fs)

Gene: COASY (Coenzyme A synthase; plus strand). Cytogenetic location: 17q21.2.
Variant type: Deletion.
Coding change: c.545_546del on transcript NM_025233.7 (MANE Select); coding-DNA positions 545 to 546, 2 bases deleted (GG; older notation c.545_546delGG).
Protein change: p.Gly182fs; shifts the reading frame from glycine 182.
Molecular consequence: frameshift variant.
Genome position (GRCh38, 1-based): chr17:42,563,167-42,563,168, GG deleted; deleting any 2 consecutive bases within chr17:42,563,166-42,563,168 gives the same sequence; the c. name uses the placement nearest the transcript's 3' end. VCF-style (leftmost placement, unchanged base first): chr17-42563165-CGG-C. GRCh37 (hg19) VCF-style: chr17-40715183-CGG-C.
Other names: c.545_546del, p.Gly182fs (NM_001042529.3); c.632_633del, p.Gly211fs (NM_001042532.4); short protein forms G211fs, G182fs.
Identifiers: ClinVar variation 2730066 (VCV002730066.3), dbSNP rs867634700, ClinGen allele CA290797640.